The following is an entry in ClinVar:

NM_000062.3(SERPING1):c.51+1G>A

Gene: SERPING1 (serpin family G member 1; plus strand). Cytogenetic location: 11q12.1.
Variant type: single nucleotide variant.
Coding change: c.51+1G>A on transcript NM_000062.3 (MANE Select); the canonical splice donor site of the intron after coding-DNA position 51, G replaced by A.
Molecular consequence: splice donor variant.
Genome position (GRCh38, 1-based): chr11:57,598,322, G>A. VCF-style: chr11-57598322-G-A. GRCh37 (hg19) VCF-style: chr11-57365795-G-A.
Other names: c.51+1G>A (NM_001032295.2).
Identifiers: ClinVar variation 1387977 (VCV001387977.6), dbSNP rs1470120365, ClinGen allele CA380693429.

ClinVar aggregate classification (germline): Pathogenic (1 of 4 stars; one submission).

Allele frequency attached by ClinVar (database versions not stated): gnomAD exomes below 0.00001 and 0.00001.

Submission:

Labcorp Genetics (formerly Invitae), Labcorp
Classification: Pathogenic. Last evaluated: 2024-04-25. Review status: criteria provided, single submitter. Criteria: Invitae Variant Classification Sherloc (09022015). Collection method: clinical testing. Allele origin: germline.
Comment: This sequence change affects a donor splice site in intron 2 of the SERPING1 gene. RNA analysis indicates that disruption of this splice site induces altered splicing and is likely to result in the loss of the initiator methionine. The frequency data for this variant in the population databases is considered unreliable, as metrics indicate poor data quality at this position in the gnomAD database. Disruption of this splice site has been observed in individuals with hereditary angioedema (PMID: 14635117, 18758157, 21934598). It has also been observed to segregate with disease in related individuals. This variant is also known as g.638G>A. ClinVar contains an entry for this variant (Variation ID: 1387977). Studies have shown that disruption of this splice site results in skipping of exon 2, and is expected to result in the loss of the initiator methionine (PMID: 16470590). For these reasons, this variant has been classified as Pathogenic.

Literature cited by the submitters: PubMed 14635117; PubMed 18758157; PubMed 21934598; PubMed 16470590.